The following is an entry in ClinVar:

ClinVar aggregate classification (germline): Uncertain significance. Review status: criteria provided, multiple submitters, no conflicts (2 of 4 stars). 3 submissions from 3 submitters: Uncertain significance (3). Last evaluated 2021-11-07.

Conditions:
Tuberous sclerosis 1 (TSC1). Identifiers: Orphanet 805, MedGen C1854465, MONDO:0008612, OMIM 191100.

Submissions (3):

Genome-Nilou Lab
Classification: Uncertain significance for Tuberous sclerosis 1. Last evaluated: 2021-11-07. Review status: criteria provided, single submitter. Criteria: ACMG Guidelines, 2015. Collection method: clinical testing. Allele origin: germline. Affected: no.

Labcorp Genetics (formerly Invitae), Labcorp
Classification: Uncertain significance for Tuberous sclerosis 1. Last evaluated: 2021-09-10. Review status: criteria provided, single submitter. Criteria: Invitae Variant Classification Sherloc (09022015). Collection method: clinical testing. Allele origin: germline.
Comment: This sequence change replaces glycine with glutamic acid at codon 633 of the TSC1 protein (p.Gly633Glu). The glycine residue is moderately conserved and there is a moderate physicochemical difference between glycine and glutamic acid. This variant is not present in population databases (ExAC no frequency). This variant has not been reported in the literature in individuals affected with TSC1-related conditions. ClinVar contains an entry for this variant (Variation ID: 444784). Algorithms developed to predict the effect of missense changes on protein structure and function are either unavailable or do not agree on the potential impact of this missense change (SIFT: "Tolerated"; PolyPhen-2: "Probably Damaging"; Align-GVGD: "Class C0"). In summary, the available evidence is currently insufficient to determine the role of this variant in disease. Therefore, it has been classified as a Variant of Uncertain Significance.

CeGaT Center for Human Genetics Tuebingen
Classification: Uncertain significance. Last evaluated: 2017-05-01. Review status: criteria provided, single submitter. Criteria: CeGaT Center For Human Genetics Tuebingen Variant Classification Criteria Version 2. Collection method: clinical testing. Allele origin: germline. Affected: yes. Observed: 1 variant allele.

NM_000368.5(TSC1):c.1898G>A (p.Gly633Glu)

Gene: TSC1 (TSC complex subunit 1; minus strand). Cytogenetic location: 9q34.13.
Variant type: single nucleotide variant.
Coding change: c.1898G>A on transcript NM_000368.5 (MANE Select); coding-DNA position 1898, G replaced by A.
Protein change: p.Gly633Glu; replaces glycine 633 with glutamic acid.
Molecular consequence: missense variant.
Genome position (GRCh38, 1-based): chr9:132,905,680, C>T on the plus strand (G>A on the coding strand, the complement: TSC1 is on the minus strand). VCF-style: chr9-132905680-C-T. GRCh37 (hg19) VCF-style: chr9-135781067-C-T.
Other names: c.1895G>A, p.Gly632Glu (NM_001162426.2); c.1745G>A, p.Gly582Glu (NM_001162427.2); c.1535G>A, p.Gly512Glu (NM_001362177.2); short protein forms G633E, G632E, G512E, G582E.
Identifiers: ClinVar variation 444784 (VCV000444784.51), dbSNP rs1554815746, ClinGen allele CA375362828.
Genomic context (GRCh38, chr9:132,905,680, plus strand): 5'-ATCAGTCTGTCCAGCACTTCCATTGGGGAGGTAGAGGGCACACCATCTTCCTCTGTGTTT[C>T]CTTTTGCTTTCTTTAACAGCTCCTCAGTCTTCCTGATGACAAAATGATGGGCTGTCTTTG-3'
Protein context (NP_000359.1, residues 623-643): KTEELLKKAK[Gly633Glu]NTEEDGVPST